The following is an entry in ClinVar:

NM_000264.5(PTCH1):c.3261C>G (p.Ile1087Met)

Gene: PTCH1 (patched 1; minus strand). Cytogenetic location: 9q22.32.
Variant type: single nucleotide variant.
Coding change: c.3261C>G on transcript NM_000264.5 (MANE Select); coding-DNA position 3261, C replaced by G.
Protein change: p.Ile1087Met; replaces isoleucine 1087 with methionine.
Molecular consequence: missense variant. On other transcripts: non-coding transcript variant (1).
Genome position (GRCh38, 1-based): chr9:95,456,321, G>C on the plus strand (C>G on the coding strand, the complement: PTCH1 is on the minus strand). VCF-style: chr9-95456321-G-C. GRCh37 (hg19) VCF-style: chr9-98218603-G-C.
Other names: c.3063C>G, p.Ile1021Met (NM_001083602.3); c.3258C>G, p.Ile1086Met (NM_001083603.3); c.2808C>G, p.Ile936Met (NM_001083604.3, NM_001083605.3, NM_001083606.3 and 1 more transcripts); c.3105C>G, p.Ile1035Met (NM_001354918.2); short protein forms I1021M, I1035M, I1086M, I1087M, I936M.
Identifiers: ClinVar variation 3231007 (VCV003231007.3), dbSNP rs768215021, ClinGen allele CA374112043.
Genomic context (GRCh38, chr9:95,456,321, plus strand): 5'-AAATGTCTCCCATACCAAAGCAACGTGAACGGTGAACTCCACTCCTATGCCAACAGAAGC[G>C]ATCAGGATGACCACGGGCACGGCACTGAGCTTGATTCCGATGAGGCCCATCATGCCGAAC-3'
Protein context (NP_000255.2, residues 1077-1097): KLSAVPVVIL[Ile1087Met]ASVGIGVEFT

ClinVar aggregate classification (germline): Uncertain significance. Review status: criteria provided, multiple submitters, no conflicts (2 of 4 stars). 2 submissions from 2 submitters: Uncertain significance (2). Last evaluated 2024-07-17.

Conditions:
Hereditary cancer-predisposing syndrome. Also called: Hereditary Cancer Syndrome; Tumor predisposition; Neoplastic Syndromes, Hereditary; Hereditary neoplastic syndrome. Identifiers: Orphanet 140162, MedGen C0027672, MeSH D009386, MONDO:0015356.
Gorlin syndrome. Also called: Nevoid Basal Cell Carcinoma Syndrome; Basal cell nevus syndrome. Identifiers: Orphanet 377, MedGen C0004779, MONDO:0007187.

gnomAD v4.1: 1 of 1,614,068 alleles (0.000062%); highest among the groups gnomAD compares: Non-Finnish European, 0.000085%; no homozygotes.

Submissions (2):

Labcorp Genetics (formerly Invitae), Labcorp
Classification: Uncertain significance for Gorlin syndrome. Last evaluated: 2024-07-17. Review status: criteria provided, single submitter. Criteria: Invitae Variant Classification Sherloc (09022015). Collection method: clinical testing. Allele origin: germline.
Comment: This sequence change replaces isoleucine, which is neutral and non-polar, with methionine, which is neutral and non-polar, at codon 1087 of the PTCH1 protein (p.Ile1087Met). This variant is not present in population databases (gnomAD no frequency). This variant has not been reported in the literature in individuals affected with PTCH1-related conditions. Advanced modeling of protein sequence and biophysical properties (such as structural, functional, and spatial information, amino acid conservation, physicochemical variation, residue mobility, and thermodynamic stability) performed at Invitae indicates that this missense variant is not expected to disrupt PTCH1 protein function with a negative predictive value of 95%. In summary, the available evidence is currently insufficient to determine the role of this variant in disease. Therefore, it has been classified as a Variant of Uncertain Significance.

Ambry Genetics
Classification: Uncertain significance for Hereditary cancer-predisposing syndrome. Last evaluated: 2023-12-08. Review status: criteria provided, single submitter. Criteria: Ambry Variant Classification Scheme 2023. Collection method: clinical testing. Allele origin: germline.
Comment: The p.I1087M variant (also known as c.3261C>G), located in coding exon 19 of the PTCH1 gene, results from a C to G substitution at nucleotide position 3261. The isoleucine at codon 1087 is replaced by methionine, an amino acid with highly similar properties. This amino acid position is conserved. In addition, this alteration is predicted to be deleterious by in silico analysis. Since supporting evidence is limited at this time, the clinical significance of this alteration remains unclear.